The following is an entry in ClinVar:

ClinVar aggregate classification (germline): Uncertain significance. Review status: criteria provided, multiple submitters, no conflicts (2 of 4 stars). 3 submissions from 3 submitters: Uncertain significance (3). Last evaluated 2024-04-09.

Conditions:
Isolated cryptophthalmia. Also called: Cryptophthalmos, unilateral or bilateral, isolated; ANKYLOBLEPHARON, SIMPLE. Identifiers: Orphanet 91396, MedGen C1852453, MONDO:0007410, OMIM 123570.
Fraser syndrome 2 (FRASRS2). Identifiers: MedGen C4540036, MONDO:0054738, OMIM 617666.
Inborn genetic diseases. Identifiers: MedGen C0950123, MeSH D030342.

Allele frequency attached by ClinVar (database versions not stated): gnomAD 0.00006 and 0.00007; gnomAD exomes 0.00008 and 0.00016; ExAC 0.00012; TOPMed 0.00013.
gnomAD v4.1: 128 of 1,614,062 alleles (0.0079%); highest among the groups gnomAD compares: Admixed American, 0.07%; no homozygotes.

Submissions (3):

Fulgent Genetics
Classification: Uncertain significance for Isolated cryptophthalmia; Fraser syndrome 2. Last evaluated: 2024-04-09. Review status: criteria provided, single submitter. Criteria: ACMG Guidelines, 2015. Collection method: clinical testing. Allele origin: germline.

Ambry Genetics
Classification: Uncertain significance for Inborn genetic diseases. Last evaluated: 2023-01-18. Review status: criteria provided, single submitter. Criteria: Ambry Variant Classification Scheme 2023. Collection method: clinical testing. Allele origin: germline.

Labcorp Genetics (formerly Invitae), Labcorp
Classification: Uncertain significance. Last evaluated: 2022-03-26. Review status: criteria provided, single submitter. Criteria: Invitae Variant Classification Sherloc (09022015). Collection method: clinical testing. Allele origin: germline.
Comment: This sequence change replaces valine, which is neutral and non-polar, with methionine, which is neutral and non-polar, at codon 2743 of the FREM2 protein (p.Val2743Met). This variant is present in population databases (rs201978814, gnomAD 0.09%). This variant has not been reported in the literature in individuals affected with FREM2-related conditions. Algorithms developed to predict the effect of missense changes on protein structure and function are either unavailable or do not agree on the potential impact of this missense change (SIFT: "Deleterious"; PolyPhen-2: "Possibly Damaging"; Align-GVGD: "Class C0"). In summary, the available evidence is currently insufficient to determine the role of this variant in disease. Therefore, it has been classified as a Variant of Uncertain Significance.

NM_207361.6(FREM2):c.8227G>A (p.Val2743Met)

Gene: FREM2 (FRAS1 related extracellular matrix 2; plus strand). Cytogenetic location: 13q13.3.
Variant type: single nucleotide variant.
Coding change: c.8227G>A on transcript NM_207361.6 (MANE Select); coding-DNA position 8227, G replaced by A.
Protein change: p.Val2743Met; replaces valine 2743 with methionine.
Molecular consequence: missense variant.
Genome position (GRCh38, 1-based): chr13:38,874,532, G>A. VCF-style: chr13-38874532-G-A. GRCh37 (hg19) VCF-style: chr13-39448669-G-A.
Other names: c.8227G>A (NM_207361.4); short protein forms V2743M.
Identifiers: ClinVar variation 1517545 (VCV001517545.6), dbSNP rs201978814, ClinGen allele CA6956085.